The following is an entry in ClinVar:

ClinVar aggregate classification (germline): Uncertain significance (1 of 4 stars; one submission).

Conditions:
Hereditary spastic paraplegia 11. Also called: Nakamura Osame syndrome; Autosomal recessive hereditary spastic paraplegia, mental impairment, and thin corpus callosum; Spastic paraplegia, mental retardation and thin corpus callosum; SPASTIC PARAPLEGIA, AUTOSOMAL RECESSIVE, COMPLICATED, WITH THIN CORPUS CALLOSUM; SPASTIC PARAPLEGIA, AUTOSOMAL RECESSIVE, WITH MENTAL IMPAIRMENT AND THIN CORPUS CALLOSUM; Spastic Paraplegia 11. Identifiers: Orphanet 2822, MedGen C1858479, MONDO:0011445, OMIM 604360.

gnomAD v4.1: 16 of 1,614,172 alleles (0.00099%); highest among the groups gnomAD compares: Non-Finnish European, 0.0013%; no homozygotes.

Submission:

Labcorp Genetics (formerly Invitae), Labcorp
Classification: Uncertain significance for Hereditary spastic paraplegia 11. Last evaluated: 2021-09-01. Review status: criteria provided, single submitter. Criteria: Invitae Variant Classification Sherloc (09022015). Collection method: clinical testing. Allele origin: germline.
Comment: This sequence change replaces histidine with proline at codon 1954 of the SPG11 protein (p.His1954Pro). The histidine residue is weakly conserved and there is a moderate physicochemical difference between histidine and proline. This variant is not present in population databases (ExAC no frequency). This variant has not been reported in the literature in individuals affected with SPG11-related conditions. Algorithms developed to predict the effect of missense changes on protein structure and function (SIFT, PolyPhen-2, Align-GVGD) all suggest that this variant is likely to be tolerated. In summary, the available evidence is currently insufficient to determine the role of this variant in disease. Therefore, it has been classified as a Variant of Uncertain Significance.

NM_025137.4(SPG11):c.5861A>C (p.His1954Pro)

Gene: SPG11 (SPG11 vesicle trafficking associated, spatacsin; minus strand). Cytogenetic location: 15q21.1.
Variant type: single nucleotide variant.
Coding change: c.5861A>C on transcript NM_025137.4 (MANE Select); coding-DNA position 5861, A replaced by C.
Protein change: p.His1954Pro; replaces histidine 1954 with proline.
Molecular consequence: missense variant.
Genome position (GRCh38, 1-based): chr15:44,583,819, T>G on the plus strand (A>C on the coding strand, the complement: SPG11 is on the minus strand). VCF-style: chr15-44583819-T-G. GRCh37 (hg19) VCF-style: chr15-44876017-T-G.
Other names: c.5861A>C, p.His1954Pro (NM_001160227.2); short protein forms H1954P.
Identifiers: ClinVar variation 534848 (VCV000534848.6), dbSNP rs954248015, ClinGen allele CA270079542.